The following is an entry in ClinVar:

ClinVar aggregate classification (germline): Uncertain significance (1 of 4 stars; one submission).

Conditions:
Dilated cardiomyopathy 1G (CMD1G). Identifiers: Orphanet 154, MedGen C1858763, MONDO:0011400, OMIM 604145.
Autosomal recessive limb-girdle muscular dystrophy type 2J (LGMDR10). Also called: Limb-girdle muscular dystrophy, type 2J; MUSCULAR DYSTROPHY, LIMB-GIRDLE, AUTOSOMAL RECESSIVE 10. Identifiers: Orphanet 140922, MedGen C1837342, MONDO:0012127, OMIM 608807.

Allele frequency attached by ClinVar (database versions not stated): gnomAD 0.00001.
gnomAD v4.1: 1 of 1,613,310 alleles (0.000062%); highest among the groups gnomAD compares: Non-Finnish European, 0.000085%; no homozygotes.

Submission:

Labcorp Genetics (formerly Invitae), Labcorp
Classification: Uncertain significance for Dilated cardiomyopathy 1G; Autosomal recessive limb-girdle muscular dystrophy type 2J. Last evaluated: 2024-11-04. Review status: criteria provided, single submitter. Criteria: Invitae Variant Classification Sherloc (09022015). Collection method: clinical testing. Allele origin: germline.
Comment: This sequence change replaces threonine, which is neutral and polar, with isoleucine, which is neutral and non-polar, at codon 33949 of the TTN protein (p.Thr33949Ile). This variant is not present in population databases (gnomAD no frequency). This variant has not been reported in the literature in individuals affected with TTN-related conditions. ClinVar contains an entry for this variant (Variation ID: 1356641). Experimental studies and prediction algorithms are not available or were not evaluated, and the functional significance of this variant is currently unknown. This variant is located in the M band of TTN (PMID: 25589632). Non-truncating variants in this region may be relevant for neuromuscular disorders, but have not been definitively shown to cause cardiomyopathy (PMID: 23975875). In summary, the available evidence is currently insufficient to determine the role of this variant in disease. Therefore, it has been classified as a Variant of Uncertain Significance.

Literature cited by the submitters: PubMed 25589632; PubMed 23975875.

NM_001267550.2(TTN):c.101846C>T (p.Thr33949Ile)

Genes: TTN (titin; minus strand), TTN-AS1 (TTN antisense RNA 1; plus strand). Cytogenetic location: 2q31.2.
Variant type: single nucleotide variant.
Coding change: c.101846C>T on transcript NM_001267550.2 (MANE Select); coding-DNA position 101846, C replaced by T.
Protein change: p.Thr33949Ile; replaces threonine 33949 with isoleucine.
Molecular consequence: missense variant.
Genome position (GRCh38, 1-based): chr2:178,534,769, G>A on the plus strand (C>T on the coding strand, the complement: TTN is on the minus strand). VCF-style: chr2-178534769-G-A. GRCh37 (hg19) VCF-style: chr2-179399496-G-A.
Other names: c.96923C>T, p.Thr32308Ile (NM_001256850.1); c.74651C>T, p.Thr24884Ile (NM_003319.4); c.94142C>T, p.Thr31381Ile (NM_133378.4); c.75026C>T, p.Thr25009Ile (NM_133432.3); c.75227C>T, p.Thr25076Ile (NM_133437.4); short protein forms T25076I, T33949I, T25009I, T24884I, T31381I, T32308I.
Identifiers: ClinVar variation 1356641 (VCV001356641.6), dbSNP rs1559040993, ClinGen allele CA349419209.